The following is an entry in ClinVar:

ClinVar aggregate classification (germline): Uncertain significance. Review status: criteria provided, multiple submitters, no conflicts (2 of 4 stars). 4 submissions from 4 submitters: Uncertain significance (4). Last evaluated 2026-01-23.
ClinVar aggregate classification (oncogenicity): Uncertain significance (1 of 4 stars; one submission).

Conditions:
T-B+ severe combined immunodeficiency due to JAK3 deficiency. Also called: SCID, autosomal recessive, T-negative/B-positive type; SCID, T CELL-NEGATIVE, B CELL-POSITIVE, NK CELL-NEGATIVE. Identifiers: Orphanet 35078, MedGen C1833275, MONDO:0010938, OMIM 600802.
Neoplasm. Also called: Neoplasms; Neoplasm (disease); tumor. Identifiers: MedGen C0027651, MeSH D009369, MONDO:0005070, HP:0002664.

Allele frequency attached by ClinVar (database versions not stated): gnomAD 0.00001; gnomAD exomes 0.00001; TOPMed 0.00002.
gnomAD v4.1: 70 of 1,553,432 alleles (0.0045%); highest among the groups gnomAD compares: Non-Finnish European, 0.0052%; no homozygotes.

Submissions (5):

Women's Health and Genetics/Laboratory Corporation of America, LabCorp
Classification: Uncertain significance. Last evaluated: 2026-01-23. Review status: criteria provided, single submitter. Criteria: LabCorp Variant Classification Summary - May 2015. Collection method: clinical testing. Allele origin: germline.

Center for Genomic Medicine, Rigshospitalet, Copenhagen University Hospital
Classification: Uncertain significance for Neoplasm. Last evaluated: 2025-03-04. Review status: criteria provided, single submitter. Criteria: ClinGen/CGC/VICC Guidelines for Oncogenicity, 2022. Collection method: clinical testing. Allele origin: somatic. Affected: yes.

Blueprint Genetics
Classification: Uncertain significance. Last evaluated: 2024-05-23. Review status: criteria provided, single submitter. Criteria: ACMG Guidelines, 2015. Collection method: clinical testing. Allele origin: germline.

Labcorp Genetics (formerly Invitae), Labcorp
Classification: Uncertain significance for T-B+ severe combined immunodeficiency due to JAK3 deficiency. Last evaluated: 2022-08-23. Review status: criteria provided, single submitter. Criteria: Invitae Variant Classification Sherloc (09022015). Collection method: clinical testing. Allele origin: germline.
Comment: This sequence change replaces glutamic acid, which is acidic and polar, with lysine, which is basic and polar, at codon 370 of the JAK3 protein (p.Glu370Lys). This variant is present in population databases (rs200631515, gnomAD 0.004%). This variant has not been reported in the literature in individuals affected with JAK3-related conditions. ClinVar contains an entry for this variant (Variation ID: 1028620). Algorithms developed to predict the effect of missense changes on protein structure and function (SIFT, PolyPhen-2, Align-GVGD) all suggest that this variant is likely to be tolerated. In summary, the available evidence is currently insufficient to determine the role of this variant in disease. Therefore, it has been classified as a Variant of Uncertain Significance.

Baylor Genetics
Classification: Uncertain significance for T-B+ severe combined immunodeficiency due to JAK3 deficiency. Last evaluated: 2019-12-16. Review status: criteria provided, single submitter. Criteria: ACMG Guidelines, 2015. Collection method: clinical testing. Allele origin: unknown. Affected: yes.
Comment: This variant was determined to be of uncertain significance according to ACMG Guidelines, 2015 [PMID:25741868].

NM_000215.4(JAK3):c.1108G>A (p.Glu370Lys)

Gene: JAK3 (Janus kinase 3; minus strand). Cytogenetic location: 19p13.11.
Variant type: single nucleotide variant.
Coding change: c.1108G>A on transcript NM_000215.4 (MANE Select); coding-DNA position 1108, G replaced by A.
Protein change: p.Glu370Lys; replaces glutamic acid 370 with lysine.
Molecular consequence: missense variant.
Genome position (GRCh38, 1-based): chr19:17,841,423, C>T on the plus strand (G>A on the coding strand, the complement: JAK3 is on the minus strand). VCF-style: chr19-17841423-C-T. GRCh37 (hg19) VCF-style: chr19-17952232-C-T.
Other names: short protein forms E370K.
Identifiers: ClinVar variation 1028620 (VCV001028620.6), dbSNP rs200631515, ClinGen allele CA306138548.